The following is an entry in ClinVar:

NM_015001.3(SPEN):c.2420G>C (p.Arg807Pro)

Gene: SPEN (spen family transcriptional repressor; plus strand). Cytogenetic location: 1p36.13.
Variant type: single nucleotide variant.
Coding change: c.2420G>C on transcript NM_015001.3 (MANE Select); coding-DNA position 2420, G replaced by C.
Protein change: p.Arg807Pro; replaces arginine 807 with proline.
Molecular consequence: missense variant.
Genome position (GRCh38, 1-based): chr1:15,928,660, G>C. VCF-style: chr1-15928660-G-C. GRCh37 (hg19) VCF-style: chr1-16255155-G-C.
Other names: short protein forms R807P.
Identifiers: ClinVar variation 1683931 (VCV001683931.25), dbSNP rs149173601, ClinGen allele CA619282.

ClinVar aggregate classification (germline): Conflicting classifications of pathogenicity. Review status: criteria provided, conflicting classifications (1 of 4 stars). 3 submissions from 3 submitters: Uncertain significance (1); Likely benign (2). Last evaluated 2023-12-17.

Conditions:
Inborn genetic diseases. Identifiers: MedGen C0950123, MeSH D030342.

Allele frequency attached by ClinVar (database versions not stated): ESP Exome Variant Server 0.00054.
gnomAD v4.1: 968 of 1,613,874 alleles (0.06%); highest among the groups gnomAD compares: Non-Finnish European, 0.076%; no homozygotes.

Submissions (3):

Ambry Genetics
Classification: Likely benign for Inborn genetic diseases. Last evaluated: 2023-12-17. Review status: criteria provided, single submitter. Criteria: Ambry Variant Classification Scheme 2023. Collection method: clinical testing. Allele origin: germline.

CeGaT Center for Human Genetics Tuebingen
Classification: Likely benign. Last evaluated: 2023-12-01. Review status: criteria provided, single submitter. Criteria: CeGaT Center For Human Genetics Tuebingen Variant Classification Criteria Version 2. Collection method: clinical testing. Allele origin: germline. Affected: yes. Observed: 1 variant allele.
Comment: SPEN: BS2

GeneDx
Classification: Uncertain significance. Last evaluated: 2022-05-05. Review status: criteria provided, single submitter. Criteria: GeneDx Variant Classification Process June 2021. Collection method: clinical testing. Allele origin: germline. Affected: yes.
Comment: In silico analysis supports that this missense variant has a deleterious effect on protein structure/function; Has not been previously published as pathogenic or benign to our knowledge